The following is an entry in ClinVar:

ClinVar aggregate classification (germline): Uncertain significance. Review status: criteria provided, multiple submitters, no conflicts (2 of 4 stars). 3 submissions from 3 submitters: Uncertain significance (3). Last evaluated 2025-08-01.

Conditions:
Diaphanospondylodysostosis. Also called: VERTEBRAL OSSIFICATION, DEFECT IN, WITH NEPHROGENIC RESTS. Identifiers: Orphanet 66637, MedGen C1842691, MONDO:0011946, OMIM 608022.
Inborn genetic diseases. Identifiers: MedGen C0950123, MeSH D030342.

Allele frequency attached by ClinVar (database versions not stated): ExAC 0.00003; gnomAD exomes 0.00004 and 0.00009; gnomAD 0.00005 and 0.00006; TOPMed 0.00006; ESP Exome Variant Server 0.00015.
gnomAD v4.1: 139 of 1,613,956 alleles (0.0086%); highest among the groups gnomAD compares: Non-Finnish European, 0.012%; no homozygotes.

Submissions (3):

Ambry Genetics
Classification: Uncertain significance for Inborn genetic diseases. Last evaluated: 2025-08-01. Review status: criteria provided, single submitter. Criteria: Ambry Variant Classification Scheme 2023. Collection method: clinical testing. Allele origin: germline.

Labcorp Genetics (formerly Invitae), Labcorp
Classification: Uncertain significance. Last evaluated: 2023-10-04. Review status: criteria provided, single submitter. Criteria: Invitae Variant Classification Sherloc (09022015). Collection method: clinical testing. Allele origin: germline.
Comment: This sequence change replaces valine, which is neutral and non-polar, with methionine, which is neutral and non-polar, at codon 77 of the BMPER protein (p.Val77Met). This variant is present in population databases (rs376317780, gnomAD 0.008%). This variant has not been reported in the literature in individuals affected with BMPER-related conditions. ClinVar contains an entry for this variant (Variation ID: 1395014). An algorithm developed to predict the effect of missense changes on protein structure and function (PolyPhen-2) suggests that this variant is likely to be disruptive. In summary, the available evidence is currently insufficient to determine the role of this variant in disease. Therefore, it has been classified as a Variant of Uncertain Significance.

Revvity Omics, Revvity
Classification: Uncertain significance for Diaphanospondylodysostosis. Last evaluated: 2019-05-24. Review status: criteria provided, single submitter. Criteria: ACMG Guidelines, 2015. Collection method: clinical testing. Allele origin: germline.

NM_001365308.1(BMPER):c.229G>A (p.Val77Met)

Gene: BMPER (BMP binding endothelial regulator; plus strand). Cytogenetic location: 7p14.3.
Variant type: single nucleotide variant.
Coding change: c.229G>A on transcript NM_001365308.1 (MANE Select); coding-DNA position 229, G replaced by A.
Protein change: p.Val77Met; replaces valine 77 with methionine.
Molecular consequence: missense variant.
Genome position (GRCh38, 1-based): chr7:33,937,298, G>A. VCF-style: chr7-33937298-G-A. GRCh37 (hg19) VCF-style: chr7-33976910-G-A.
Other names: c.229G>A, p.Val77Met (NM_133468.5); c.229G>A (NM_133468.3); short protein forms V77M.
Identifiers: ClinVar variation 1395014 (VCV001395014.8), dbSNP rs376317780, ClinGen allele CA4214977.